The following is an entry in ClinVar:

ClinVar aggregate classification (germline): Uncertain significance (1 of 4 stars; one submission).

Conditions:
Pitt-Hopkins-like syndrome 2 (PTHSL2). Identifiers: Orphanet 221150, Orphanet 600663, MedGen C3280479, MONDO:0013690, OMIM 614325.

Submission:

Labcorp Genetics (formerly Invitae), Labcorp
Classification: Uncertain significance for Pitt-Hopkins-like syndrome 2. Last evaluated: 2025-05-11. Review status: criteria provided, single submitter. Criteria: Invitae Variant Classification Sherloc (09022015). Collection method: clinical testing. Allele origin: germline.
Comment: This sequence change replaces glutamic acid, which is acidic and polar, with lysine, which is basic and polar, at codon 37 of the NRXN1 protein (p.Glu37Lys). This variant is not present in population databases (gnomAD no frequency). This variant has not been reported in the literature in individuals affected with NRXN1-related conditions. An algorithm developed to predict the effect of missense changes on protein structure and function (PolyPhen-2) suggests that this variant is likely to be tolerated. In summary, the available evidence is currently insufficient to determine the role of this variant in disease. Therefore, it has been classified as a Variant of Uncertain Significance.

NM_001330078.2(NRXN1):c.109G>A (p.Glu37Lys)

Gene: NRXN1 (neurexin 1; minus strand). Cytogenetic location: 2p16.3.
Variant type: single nucleotide variant.
Coding change: c.109G>A on transcript NM_001330078.2 (MANE Select); coding-DNA position 109, G replaced by A.
Protein change: p.Glu37Lys; replaces glutamic acid 37 with lysine.
Molecular consequence: missense variant.
Genome position (GRCh38, 1-based): chr2:51,028,165, C>T on the plus strand (G>A on the coding strand, the complement: NRXN1 is on the minus strand). VCF-style: chr2-51028165-C-T. GRCh37 (hg19) VCF-style: chr2-51255303-C-T.
Other names: c.109G>A, p.Glu37Lys (NM_001330077.2, NM_001330079.2, NM_001330081.2 and 15 more transcripts); short protein forms E37K.
Identifiers: ClinVar variation 4717269 (VCV004717269.1).
Genomic context (GRCh38, chr2:51,028,165, plus strand): 5'-GGAAGCTCATCTCGCTCTCGCAGCAGGCGTTCCACTTGGGGAAGCGCGTCCATTGGCCCT[C>T]GGCGCCCGGAAACTCCAGCCCGCTGCCCAGCTCCGCCCAGCAGCCCAGGAGCAGCAGCGA-3'
Protein context (NP_001317007.1, residues 27-47): LGSGLEFPGA[Glu37Lys]GQWTRFPKWN